The following is an entry in ClinVar:

ClinVar aggregate classification (germline): Uncertain significance (1 of 4 stars; one submission).

gnomAD v4.1: 13 of 1,611,160 alleles (0.00081%); highest among the groups gnomAD compares: South Asian, 0.0077%; no homozygotes.

Submission:

Labcorp Genetics (formerly Invitae), Labcorp
Classification: Uncertain significance. Last evaluated: 2025-06-29. Review status: criteria provided, single submitter. Criteria: Invitae Variant Classification Sherloc (09022015). Collection method: clinical testing. Allele origin: germline.
Comment: This sequence change replaces glycine, which is neutral and non-polar, with serine, which is neutral and polar, at codon 412 of the FSCN2 protein (p.Gly412Ser). This variant is present in population databases (rs529675478, gnomAD 0.02%). This variant has not been reported in the literature in individuals affected with FSCN2-related conditions. An algorithm developed to predict the effect of missense changes on protein structure and function (PolyPhen-2) suggests that this variant is likely to be disruptive. In summary, the available evidence is currently insufficient to determine the role of this variant in disease. Therefore, it has been classified as a Variant of Uncertain Significance.

NM_012418.4(FSCN2):c.1162G>A (p.Gly388Ser)

Gene: FSCN2 (fascin actin-bundling protein 2, retinal; plus strand). Cytogenetic location: 17q25.3.
Variant type: single nucleotide variant.
Coding change: c.1162G>A on transcript NM_012418.4 (MANE Select); coding-DNA position 1162, G replaced by A.
Protein change: p.Gly388Ser; replaces glycine 388 with serine.
Molecular consequence: missense variant.
Genome position (GRCh38, 1-based): chr17:81,536,678, G>A. VCF-style: chr17-81536678-G-A. GRCh37 (hg19) VCF-style: chr17-79503704-G-A.
Other names: c.1234G>A, p.Gly412Ser (NM_001077182.3); short protein forms G388S, G412S.
Identifiers: ClinVar variation 4696450 (VCV004696450.1).